The following is an entry in ClinVar:

NM_001378120.1(MBD5):c.2179A>C (p.Asn727His)

Gene: MBD5 (methyl-CpG binding domain protein 5; plus strand). Cytogenetic location: 2q23.1.
Variant type: single nucleotide variant.
Coding change: c.2179A>C on transcript NM_001378120.1 (MANE Select); coding-DNA position 2179, A replaced by C.
Protein change: p.Asn727His; replaces asparagine 727 with histidine.
Molecular consequence: missense variant.
Genome position (GRCh38, 1-based): chr2:148,470,122, A>C. VCF-style: chr2-148470122-A-C. GRCh37 (hg19) VCF-style: chr2-149227691-A-C.
Other names: c.2179A>C, p.Asn727His (NM_018328.5); short protein forms N727H.
Identifiers: ClinVar variation 3693621 (VCV003693621.2).
Genomic context (GRCh38, chr2:148,470,122, plus strand): 5'-TCTATGAGTTGTCAAAGCTCTCACTTGAGTAGCAATAGTACCCCGGGTTGTGGGGCCTCA[A>C]ATACTGCTTTGCCTTGCTCTGCTAACCAGCTGCATTTTACAGATCCCAGTATGAACTCTA-3'
Protein context (NP_001365049.1, residues 717-737): SNSTPGCGAS[Asn727His]TALPCSANQL

ClinVar aggregate classification (germline): Uncertain significance (1 of 4 stars; one submission).

Conditions:
Intellectual developmental disorder, autosomal dominant 1. Also called: MBD5 Haploinsufficiency; Intellectual disability, autosomal dominant 1. Identifiers: Orphanet 228402, MedGen C1969562, MONDO:0007974, OMIM 156200.

Submission:

Labcorp Genetics (formerly Invitae), Labcorp
Classification: Uncertain significance for Intellectual developmental disorder, autosomal dominant 1. Last evaluated: 2024-04-10. Review status: criteria provided, single submitter. Criteria: Invitae Variant Classification Sherloc (09022015). Collection method: clinical testing. Allele origin: germline.
Comment: This sequence change replaces asparagine, which is neutral and polar, with histidine, which is basic and polar, at codon 727 of the MBD5 protein (p.Asn727His). This variant is not present in population databases (gnomAD no frequency). This variant has not been reported in the literature in individuals affected with MBD5-related conditions. Advanced modeling of protein sequence and biophysical properties (such as structural, functional, and spatial information, amino acid conservation, physicochemical variation, residue mobility, and thermodynamic stability) performed at Invitae indicates that this missense variant is not expected to disrupt MBD5 protein function with a negative predictive value of 80%. In summary, the available evidence is currently insufficient to determine the role of this variant in disease. Therefore, it has been classified as a Variant of Uncertain Significance.